The following is an entry in ClinVar:

ClinVar aggregate classification (germline): Conflicting classifications of pathogenicity. Review status: criteria provided, conflicting classifications (1 of 4 stars). 4 submissions from 4 submitters: Uncertain significance (2); Benign (1); Likely benign (1). Last evaluated 2026-01-09.

Conditions:
Autosomal recessive nonsyndromic hearing loss 4 (DFNB4). Also called: FOXI1-Related Pendred Syndrome; KCNJ10-Related Pendred Syndrome; Deafness, autosomal recessive 4, with enlarged vestibular aqueduct; Deafness, autosomal recessive 4; NEUROSENSORY NONSYNDROMIC RECESSIVE DEAFNESS 4; Nonsyndromic enlarged vestibular aqueduct (NSEVA). Identifiers: Orphanet 90636, MedGen C3538946, MONDO:0010933, OMIM 600791.
Pendred syndrome (PDS). Also called: Pendred's syndrome; THYROID DYSHORMONOGENESIS 2B; THYROID HORMONOGENESIS, GENETIC DEFECT IN, 2B; DEAFNESS WITH GOITER; GOITER-DEAFNESS SYNDROME; HYPOTHYROIDISM, CONGENITAL, DUE TO DYSHORMONOGENESIS, 2B. Identifiers: Orphanet 705, MedGen C0271829, MONDO:0010134, OMIM 274600.

Allele frequency attached by ClinVar (database versions not stated): gnomAD exomes 0.00010 and 0.00029; gnomAD 0.00016 and 0.00020; TOPMed 0.00017; ExAC 0.00034; 1000 Genomes Project 0.00060; 1000 Genomes Project 30x 0.00062.
gnomAD v4.1: 176 of 1,556,160 alleles (0.011%); highest among the groups gnomAD compares: East Asian, 0.099%; no homozygotes.

Submissions (4):

Labcorp Genetics (formerly Invitae), Labcorp
Classification: Benign. Last evaluated: 2026-01-09. Review status: criteria provided, single submitter. Criteria: Invitae Variant Classification Sherloc (09022015). Collection method: clinical testing. Allele origin: germline.

CeGaT Center for Human Genetics Tuebingen
Classification: Uncertain significance. Last evaluated: 2021-06-01. Review status: criteria provided, single submitter. Criteria: CeGaT Center For Human Genetics Tuebingen Variant Classification Criteria Version 2. Collection method: clinical testing. Allele origin: germline. Affected: yes. Observed: 1 variant allele.

GeneDx
Classification: Likely benign. Last evaluated: 2020-09-25. Review status: criteria provided, single submitter. Criteria: GeneDx Variant Classification Process June 2021. Collection method: clinical testing. Allele origin: germline. Affected: yes.
Comment: This variant is associated with the following publications: (PMID: 31980526, 21704276, 15574297, 30842343)

Juno Genomics, Hangzhou Juno Genomics, Inc
Classification: Uncertain significance for Autosomal recessive nonsyndromic hearing loss 4; Pendred syndrome. Review status: criteria provided, single submitter. Criteria: ACMG Guidelines, 2015. Collection method: clinical testing. Allele origin: germline.
Comment: Allele frequency is greater than expected for disorder.;For recessive disorders, detected in trans with a pathogenic variant.

NM_000441.2(SLC26A4):c.1804-6G>A

Gene: SLC26A4 (solute carrier family 26 member 4; plus strand). Cytogenetic location: 7q22.3.
Variant type: single nucleotide variant.
Coding change: c.1804-6G>A on transcript NM_000441.2 (MANE Select); 6 bases into the intron before coding-DNA position 1804, G replaced by A.
Molecular consequence: intron variant.
Genome position (GRCh38, 1-based): chr7:107,701,821, G>A. VCF-style: chr7-107701821-G-A. GRCh37 (hg19) VCF-style: chr7-107342266-G-A.
Identifiers: ClinVar variation 632496 (VCV000632496.52), dbSNP rs377713770, ClinGen allele CA4432963.